The following is an entry in ClinVar:

NM_024649.5(BBS1):c.1383dup (p.Arg462fs)

Genes: BBS1 (Bardet-Biedl syndrome 1; plus strand), ZDHHC24 (zDHHC palmitoyltransferase 24; minus strand). Cytogenetic location: 11q13.2.
Variant type: Duplication.
Coding change: c.1383dup on transcript NM_024649.5 (MANE Select); coding-DNA position 1383, one base duplicated (A; older notation c.1383dupA).
Protein change: p.Arg462fs; shifts the reading frame from arginine 462.
Molecular consequence: frameshift variant. On other transcripts: intron variant (1).
Genome position (GRCh38, 1-based): chr11:66,529,862, A duplicated. VCF-style (leftmost placement, unchanged base first): chr11-66529861-T-TA. GRCh37 (hg19) VCF-style: chr11-66297332-T-TA.
Other names: c.560-374dup (NM_001348571.2); short protein forms R462fs.
Identifiers: ClinVar variation 2837896 (VCV002837896.3), dbSNP rs2495830146, ClinGen allele CA2739270564.

ClinVar aggregate classification (germline): Pathogenic (1 of 4 stars; one submission).

Conditions:
Bardet-Biedl syndrome (BBS). Identifiers: Orphanet 110, MedGen C0752166, MONDO:0015229.

Submission:

Labcorp Genetics (formerly Invitae), Labcorp
Classification: Pathogenic for Bardet-Biedl syndrome. Last evaluated: 2025-05-07. Review status: criteria provided, single submitter. Criteria: Invitae Variant Classification Sherloc (09022015). Collection method: clinical testing. Allele origin: germline.
Comment: This sequence change creates a premature translational stop signal (p.Arg462Thrfs*39) in the BBS1 gene. It is expected to result in an absent or disrupted protein product. Loss-of-function variants in BBS1 are known to be pathogenic (PMID: 12118255, 21520335, 27032803). This variant is not present in population databases (gnomAD no frequency). This variant has not been reported in the literature in individuals affected with BBS1-related conditions. ClinVar contains an entry for this variant (Variation ID: 2837896). Algorithms developed to predict the effect of sequence changes on RNA splicing suggest that this variant may disrupt the consensus splice site. For these reasons, this variant has been classified as Pathogenic.

Literature cited by the submitters: PubMed 12118255; PubMed 21520335; PubMed 27032803.